The following is an entry in ClinVar:

ClinVar aggregate classification (germline): Uncertain significance. Review status: criteria provided, multiple submitters, no conflicts (2 of 4 stars). 3 submissions from 2 submitters: Uncertain significance (2). 1 of the submissions does not count toward it. Last evaluated 2023-10-09.

Conditions:
Aicardi-Goutieres syndrome 7 (AGS7). Identifiers: Orphanet 51, MedGen C3888244, MONDO:0014367, OMIM 615846.
Singleton-Merten syndrome 1 (SGMRT1). Also called: Widened medullary cavities of bone, aortic calcification, abnormal dentition, and muscular weakness; Syndrome of widened medullary cavities of the metacarpals and phalanges, aortic calcification and abnormal dentition. Identifiers: Orphanet 85191, MedGen C4225427, MONDO:0024535, OMIM 182250.

Allele frequency attached by ClinVar (database versions not stated): gnomAD 0.00001; TOPMed 0.00002.
gnomAD v4.1: 10 of 1,613,264 alleles (0.00062%); highest among the groups gnomAD compares: Middle Eastern, 0.016%; no homozygotes.

Submissions (3):

Labcorp Genetics (formerly Invitae), Labcorp
Classification: Uncertain significance for Aicardi-Goutieres syndrome 7; Singleton-Merten syndrome 1. Last evaluated: 2023-10-09. Review status: criteria provided, single submitter. Criteria: Invitae Variant Classification Sherloc (09022015). Collection method: clinical testing. Allele origin: germline.
Comment: This sequence change falls in intron 3 of the IFIH1 gene. It does not directly change the encoded amino acid sequence of the IFIH1 protein. It affects a nucleotide within the consensus splice site. This variant is present in population databases (rs769979161, gnomAD 0.003%). This variant has been observed in individual(s) with periodic fever (PMID: 33440462). ClinVar contains an entry for this variant (Variation ID: 987916). Variants that disrupt the consensus splice site are a relatively common cause of aberrant splicing (PMID: 17576681, 9536098). Algorithms developed to predict the effect of sequence changes on RNA splicing suggest that this variant may disrupt the consensus splice site. In summary, the available evidence is currently insufficient to determine the role of this variant in disease. Therefore, it has been classified as a Variant of Uncertain Significance.

Dubai Health Genomic Medicine Center, Dubai Health
Classification: Uncertain significance for Aicardi-Goutieres syndrome 7. Last evaluated: 2020-10-04. Review status: criteria provided, single submitter. Criteria: ACMG Guidelines, 2015. Collection method: clinical testing. Allele origin: germline. Affected: yes.

Dubai Health Genomic Medicine Center, Dubai Health
Classification: Uncertain significance. Last evaluated: 2022-12-17. Review status: flagged submission. Criteria: ACMG Guidelines, 2015. Collection method: clinical testing. Allele origin: germline. Affected: yes. Not counted in ClinVar's aggregate classification.
ClinVar note: Reason: This record appears to be redundant with a more recent record from the same submitter.
ClinVar note: Notes: SCV002818281 appears to be redundant with SCV001448266.

Literature cited by the submitters: PubMed 33440462 (cited by Labcorp Genetics (formerly Invitae), Labcorp); PubMed 17576681 (cited by Labcorp Genetics (formerly Invitae), Labcorp); PubMed 9536098 (cited by Labcorp Genetics (formerly Invitae), Labcorp).

NM_022168.4(IFIH1):c.769+3A>G

Gene: IFIH1 (interferon induced with helicase C domain 1; minus strand). Cytogenetic location: 2q24.2.
Variant type: single nucleotide variant.
Coding change: c.769+3A>G on transcript NM_022168.4 (MANE Select); 3 bases into the intron after coding-DNA position 769, A replaced by G.
Molecular consequence: intron variant.
Genome position (GRCh38, 1-based): chr2:162,306,706, T>C on the plus strand (A>G on the coding strand, the complement: IFIH1 is on the minus strand). VCF-style: chr2-162306706-T-C. GRCh37 (hg19) VCF-style: chr2-163163216-T-C.
Identifiers: ClinVar variation 987916 (VCV000987916.7), dbSNP rs769979161, ClinGen allele CA1934721.